The following is an entry in ClinVar:

NM_001853.4(COL9A3):c.766G>A (p.Gly256Arg)

Gene: COL9A3 (collagen type IX alpha 3 chain; plus strand). Cytogenetic location: 20q13.33.
Variant type: single nucleotide variant.
Coding change: c.766G>A on transcript NM_001853.4 (MANE Select); coding-DNA position 766, G replaced by A.
Protein change: p.Gly256Arg; replaces glycine 256 with arginine.
Molecular consequence: missense variant.
Genome position (GRCh38, 1-based): chr20:62,826,794, G>A. VCF-style: chr20-62826794-G-A. GRCh37 (hg19) VCF-style: chr20-61458146-G-A.
Other names: c.766G>A (NM_001853.3); short protein forms G256R.
Identifiers: ClinVar variation 1408681 (VCV001408681.8), dbSNP rs2063556785, ClinGen allele CA409592268.

ClinVar aggregate classification (germline): Uncertain significance. Review status: criteria provided, multiple submitters, no conflicts (2 of 4 stars). 2 submissions from 2 submitters: Uncertain significance (2). Last evaluated 2023-11-05.

Allele frequency attached by ClinVar (database versions not stated): TOPMed below 0.00001.
gnomAD v4.1: 1 of 1,612,788 alleles (0.000062%); highest among the groups gnomAD compares: Non-Finnish European, 0.000085%; no homozygotes.

Submissions (2):

Labcorp Genetics (formerly Invitae), Labcorp
Classification: Uncertain significance. Last evaluated: 2023-11-05. Review status: criteria provided, single submitter. Criteria: Invitae Variant Classification Sherloc (09022015). Collection method: clinical testing. Allele origin: germline.
Comment: This sequence change replaces glycine, which is neutral and non-polar, with arginine, which is basic and polar, at codon 256 of the COL9A3 protein (p.Gly256Arg). This variant is not present in population databases (gnomAD no frequency). This variant has not been reported in the literature in individuals affected with COL9A3-related conditions. ClinVar contains an entry for this variant (Variation ID: 1408681). Advanced modeling of protein sequence and biophysical properties (such as structural, functional, and spatial information, amino acid conservation, physicochemical variation, residue mobility, and thermodynamic stability) performed at Invitae indicates that this missense variant is expected to disrupt COL9A3 protein function with a positive predictive value of 95%. In summary, the available evidence is currently insufficient to determine the role of this variant in disease. Therefore, it has been classified as a Variant of Uncertain Significance.

GeneDx
Classification: Uncertain significance. Last evaluated: 2023-01-10. Review status: criteria provided, single submitter. Criteria: GeneDx Variant Classification Process June 2021. Collection method: clinical testing. Allele origin: germline. Affected: yes.
Comment: Not observed at significant frequency in large population cohorts (gnomAD); In silico analysis supports that this missense variant has a deleterious effect on protein structure/function; Has not been previously published as pathogenic or benign to our knowledge